The following is an entry in ClinVar:

ClinVar aggregate classification (germline): Uncertain significance (1 of 4 stars; one submission).

Conditions:
Hereditary cancer-predisposing syndrome. Also called: Neoplastic Syndromes, Hereditary; Tumor predisposition; Hereditary Cancer Syndrome; Hereditary neoplastic syndrome. Identifiers: Orphanet 140162, MedGen C0027672, MeSH D009386, MONDO:0015356.

Submission:

Ambry Genetics
Classification: Uncertain significance for Hereditary cancer-predisposing syndrome. Last evaluated: 2025-11-25. Review status: criteria provided, single submitter. Criteria: Ambry Variant Classification Scheme 2023. Collection method: clinical testing. Allele origin: germline.
Comment: The p.Q383H variant (also known as c.1149G>T), located in coding exon 10 of the MRE11A gene, results from a G to T substitution at nucleotide position 1149. The glutamine at codon 383 is replaced by histidine, an amino acid with highly similar properties. This amino acid position is conserved. In addition, the in silico prediction for this alteration is inconclusive. Since supporting evidence is limited at this time, the clinical significance of this alteration remains unclear.

NM_005591.4(MRE11):c.1149G>T (p.Gln383His)

Gene: MRE11 (MRE11 double strand break repair nuclease; minus strand). Cytogenetic location: 11q21.
Variant type: single nucleotide variant.
Coding change: c.1149G>T on transcript NM_005591.4 (MANE Select); coding-DNA position 1149, G replaced by T.
Protein change: p.Gln383His; replaces glutamine 383 with histidine.
Molecular consequence: missense variant.
Genome position (GRCh38, 1-based): chr11:94,464,189, C>A on the plus strand (G>T on the coding strand, the complement: MRE11 is on the minus strand). VCF-style: chr11-94464189-C-A. GRCh37 (hg19) VCF-style: chr11-94197355-C-A.
Other names: c.1149G>T, p.Gln383His (NM_001330347.2, NM_005590.4); short protein forms Q383H.
Identifiers: ClinVar variation 1799822 (VCV001799822.3), dbSNP rs2496427155, ClinGen allele CA382372924.